The following is an entry in ClinVar:

NM_001330701.2(AGTPBP1):c.2335+1G>A

Gene: AGTPBP1 (ATP/GTP binding carboxypeptidase 1; minus strand). Cytogenetic location: 9q21.33.
Variant type: single nucleotide variant.
Coding change: c.2335+1G>A on transcript NM_001330701.2 (MANE Select); the canonical splice donor site of the intron after coding-DNA position 2335, G replaced by A.
Molecular consequence: splice donor variant.
Genome position (GRCh38, 1-based): chr9:85,618,982, C>T on the plus strand (G>A on the coding strand, the complement: AGTPBP1 is on the minus strand). VCF-style: chr9-85618982-C-T. GRCh37 (hg19) VCF-style: chr9-88233897-C-T.
Other names: c.2371+1G>A (NM_001286717.1); c.2491+1G>A (NM_001286715.1); c.2215+1G>A (NM_015239.3).
Identifiers: ClinVar variation 4855098 (VCV004855098.1).
Genomic context (GRCh38, chr9:85,618,982, plus strand): 5'-CTTCTTTTCCACAGTTAAGATGCCTGCATGCCATTTCAATTGGGAAAGAAAACTGTCTTA[C>T]CATAATTAAACTGACTGTTGGACTTTTCACAGTTAATGATGTTAAACCTGTAAGCAACAC-3'

ClinVar aggregate classification (germline): Likely pathogenic (1 of 4 stars; one submission).

Conditions:
Neurodegeneration, childhood-onset, with cerebellar atrophy. Identifiers: MedGen C4748934, MONDO:0032650, OMIM 618276.

Submission:

3billion
Classification: Likely pathogenic for Neurodegeneration, childhood-onset, with cerebellar atrophy. Last evaluated: 2025-11-05. Review status: criteria provided, single submitter. Criteria: ACMG Guidelines, 2015. Collection method: clinical testing. Allele origin: germline. Affected: yes.
Comment: The variant is not observed in the gnomAD v4.1.0 dataset. Predicted Consequence/Location: Canonical splice site: predicted to alter splicing and result in a loss or disruption of normal protein function. Multiple pathogenic loss-of-function variants are reported downstream of the variant. In silico tools predict the variant to alter splicing and produce an abnormal transcript [SpliceAI: 1.00 (spliceogenicity >=0.2, non-spliceogenicity <0.1)]. Therefore, this variant is classified as Likely pathogenic according to the recommendation of ACMG/AMP guideline.